The following is an entry in ClinVar:

ClinVar aggregate classification (germline): Likely benign (1 of 4 stars; one submission).

gnomAD v4.1: 4 of 1,614,026 alleles (0.00025%); highest among the groups gnomAD compares: African/African-American, 0.0053%; no homozygotes.

Submission:

GeneDx
Classification: Likely benign. Last evaluated: 2025-07-24. Review status: criteria provided, single submitter. Criteria: GeneDx Variant Classification Process June 2021. Collection method: clinical testing. Allele origin: germline.
Comment: See Variant Classification Assertion Criteria.

NM_014516.4(CNOT3):c.1654A>C (p.Ile552Leu)

Gene: CNOT3 (CCR4-NOT transcription complex subunit 3; plus strand). Cytogenetic location: 19q13.42.
Variant type: single nucleotide variant.
Coding change: c.1654A>C on transcript NM_014516.4 (MANE Select); coding-DNA position 1654, A replaced by C.
Protein change: p.Ile552Leu; replaces isoleucine 552 with leucine.
Molecular consequence: missense variant.
Genome position (GRCh38, 1-based): chr19:54,152,274, A>C. VCF-style: chr19-54152274-A-C. GRCh37 (hg19) VCF-style: chr19-54656011-A-C.
Other names: short protein forms I552L.
Identifiers: ClinVar variation 3906575 (VCV003906575.2).